The following is an entry in ClinVar:

ClinVar aggregate classification (germline): Uncertain significance (1 of 4 stars; one submission).

gnomAD v4.1: 23 of 1,551,030 alleles (0.0015%); highest among the groups gnomAD compares: South Asian, 0.026%; no homozygotes.

Submission:

GeneDx
Classification: Uncertain significance. Last evaluated: 2025-08-15. Review status: criteria provided, single submitter. Criteria: GeneDx Variant Classification Process June 2021. Collection method: clinical testing. Allele origin: germline. Affected: yes.
Comment: Has not been previously published as pathogenic or benign to our knowledge; In silico analysis supports that this missense variant has a deleterious effect on protein structure/function

NM_001292063.2(OTOG):c.6953G>T (p.Cys2318Phe)

Gene: OTOG (otogelin; plus strand). Cytogenetic location: 11p15.1.
Variant type: single nucleotide variant.
Coding change: c.6953G>T on transcript NM_001292063.2 (MANE Select); coding-DNA position 6953, G replaced by T.
Protein change: p.Cys2318Phe; replaces cysteine 2318 with phenylalanine.
Molecular consequence: missense variant.
Genome position (GRCh38, 1-based): chr11:17,632,107, G>T. VCF-style: chr11-17632107-G-T. GRCh37 (hg19) VCF-style: chr11-17653654-G-T.
Other names: c.6989G>T, p.Cys2330Phe (NM_001277269.2); short protein forms C2330F, C2318F.
Identifiers: ClinVar variation 4795468 (VCV004795468.1).